The following is an entry in ClinVar:

ClinVar aggregate classification (germline): Uncertain significance. Review status: criteria provided, multiple submitters, no conflicts (2 of 4 stars). 3 submissions from 3 submitters: Uncertain significance (3). Last evaluated 2025-10-15.

Conditions:
CAPN15-related disorder. Also called: CAPN15-related condition.

Allele frequency attached by ClinVar (database versions not stated): ExAC 0.00001; TOPMed 0.00002; gnomAD 0.00006.
gnomAD v4.1: 41 of 1,606,198 alleles (0.0026%); highest among the groups gnomAD compares: African/African-American, 0.008%; no homozygotes.

Submissions (3):

Ambry Genetics
Classification: Uncertain significance. Last evaluated: 2025-10-15. Review status: criteria provided, single submitter. Criteria: Ambry Variant Classification Scheme 2023. Collection method: clinical testing. Allele origin: germline.

PreventionGenetics, part of Exact Sciences
Classification: Uncertain significance for CAPN15-related condition. Last evaluated: 2025-02-25. Review status: criteria provided, single submitter. Criteria: ACMG Guidelines, 2015. Collection method: clinical testing. Allele origin: germline.
Comment: The CAPN15 c.2600G>A variant is predicted to result in the amino acid substitution p.Arg867His. To our knowledge, this variant has not been reported in the literature. This variant is reported in 0.0048% of alleles in individuals of European (Finnish) descent in gnomAD. At this time, the clinical significance of this variant is uncertain due to the absence of conclusive functional and genetic evidence.

GeneDx
Classification: Uncertain significance. Last evaluated: 2023-02-09. Review status: criteria provided, single submitter. Criteria: GeneDx Variant Classification Process June 2021. Collection method: clinical testing. Allele origin: germline. Affected: yes.
Comment: In silico analysis supports that this missense variant has a deleterious effect on protein structure/function; Has not been previously published as pathogenic or benign to our knowledge

NM_005632.3(CAPN15):c.2600G>A (p.Arg867His)

Gene: CAPN15 (calpain 15; plus strand). Cytogenetic location: 16p13.3.
Variant type: single nucleotide variant.
Coding change: c.2600G>A on transcript NM_005632.3 (MANE Select); coding-DNA position 2600, G replaced by A.
Protein change: p.Arg867His; replaces arginine 867 with histidine.
Molecular consequence: missense variant.
Genome position (GRCh38, 1-based): chr16:552,393, G>A. VCF-style: chr16-552393-G-A. GRCh37 (hg19) VCF-style: chr16-602393-G-A.
Other names: short protein forms R867H.
Identifiers: ClinVar variation 2575578 (VCV002575578.3), dbSNP rs766327397, ClinGen allele CA7778844.
Genomic context (GRCh38, chr16:552,393, plus strand): 5'-ACCTGTGCATCCTGGTGTTCCGGGCCACGTTCGGCAGCGGCGGCCACCTCAGCCTGGGCC[G>A]CCTCCTGGCCCACAGTAAGCGCGCGGTCAAGAAGTTCGTCAGCTGCGACGTCATGCTGGA-3'
Protein context (NP_005623.1, residues 857-877): FGSGGHLSLG[Arg867His]LLAHSKRAVK